The following is an entry in ClinVar:

NM_005198.5(CHKB):c.292C>T (p.Pro98Ser)

Genes: CHKB-CPT1B (CHKB-CPT1B readthrough (NMD candidate); minus strand), CHKB (choline kinase beta; minus strand). Cytogenetic location: 22q13.33.
Variant type: single nucleotide variant.
Coding change: c.292C>T on transcript NM_005198.5 (MANE Select); coding-DNA position 292, C replaced by T.
Protein change: p.Pro98Ser; replaces proline 98 with serine.
Molecular consequence: missense variant. On other transcripts: non-coding transcript variant (1).
Genome position (GRCh38, 1-based): chr22:50,582,290, G>A on the plus strand (C>T on the coding strand, the complement: CHKB is on the minus strand). VCF-style: chr22-50582290-G-A. GRCh37 (hg19) VCF-style: chr22-51020719-G-A.
Other names: short protein forms P98S.
Identifiers: ClinVar variation 1380054 (VCV001380054.6), dbSNP rs1307581608, ClinGen allele CA412202402.

ClinVar aggregate classification (germline): Uncertain significance (1 of 4 stars; one submission).

Conditions:
Megaconial type congenital muscular dystrophy (MDCMC). Also called: MUSCULAR DYSTROPHY, CONGENITAL, WITH MITOCHONDRIAL STRUCTURAL ABNORMALITIES; CHKB-Related Muscle Diseases; CHKB-Related Muscular Dystrophy. Identifiers: Orphanet 280671, MedGen C1865233, MONDO:0011246, OMIM 602541.

gnomAD v4.1: 1 of 1,594,238 alleles (0.000063%); highest among the groups gnomAD compares: East Asian, 0.0023%; no homozygotes.

Submission:

Labcorp Genetics (formerly Invitae), Labcorp
Classification: Uncertain significance for Megaconial type congenital muscular dystrophy. Last evaluated: 2022-07-26. Review status: criteria provided, single submitter. Criteria: Invitae Variant Classification Sherloc (09022015). Collection method: clinical testing. Allele origin: germline.
Comment: In summary, the available evidence is currently insufficient to determine the role of this variant in disease. Therefore, it has been classified as a Variant of Uncertain Significance. Algorithms developed to predict the effect of missense changes on protein structure and function are either unavailable or do not agree on the potential impact of this missense change (SIFT: "Tolerated"; PolyPhen-2: "Probably Damaging"; Align-GVGD: "Class C0"). ClinVar contains an entry for this variant (Variation ID: 1380054). This variant has not been reported in the literature in individuals affected with CHKB-related conditions. The frequency data for this variant in the population databases is considered unreliable, as metrics indicate poor data quality at this position in the gnomAD database. This sequence change replaces proline, which is neutral and non-polar, with serine, which is neutral and polar, at codon 98 of the CHKB protein (p.Pro98Ser).